The following is an entry in ClinVar:

NM_003737.4(DCHS1):c.1205A>G (p.Asn402Ser)

Gene: DCHS1 (dachsous cadherin-related 1; minus strand). Cytogenetic location: 11p15.4.
Variant type: single nucleotide variant.
Coding change: c.1205A>G on transcript NM_003737.4 (MANE Select); coding-DNA position 1205, A replaced by G.
Protein change: p.Asn402Ser; replaces asparagine 402 with serine.
Molecular consequence: missense variant.
Genome position (GRCh38, 1-based): chr11:6,640,409, T>C on the plus strand (A>G on the coding strand, the complement: DCHS1 is on the minus strand). VCF-style: chr11-6640409-T-C. GRCh37 (hg19) VCF-style: chr11-6661640-T-C.
Other names: c.1205A>G (NM_003737.2); short protein forms N402S.
Identifiers: ClinVar variation 2998977 (VCV002998977.5), dbSNP rs200280593, ClinGen allele CA5861005.

ClinVar aggregate classification (germline): Uncertain significance. Review status: criteria provided, multiple submitters, no conflicts (2 of 4 stars). 3 submissions from 3 submitters: Uncertain significance (3). Last evaluated 2025-10-08.

Conditions:
Inborn genetic diseases. Identifiers: MedGen C0950123, MeSH D030342.

Allele frequency attached by ClinVar (database versions not stated): gnomAD 0.00003; ExAC 0.00006; ESP Exome Variant Server 0.00008; TOPMed 0.00001; 1000 Genomes Project 30x 0.00031; 1000 Genomes Project 0.00020.
gnomAD v4.1: 44 of 1,613,976 alleles (0.0027%); highest among the groups gnomAD compares: East Asian, 0.013%; no homozygotes.

Submissions (3):

Labcorp Genetics (formerly Invitae), Labcorp
Classification: Uncertain significance. Last evaluated: 2025-10-08. Review status: criteria provided, single submitter. Criteria: Invitae Variant Classification Sherloc (09022015). Collection method: clinical testing. Allele origin: germline.
Comment: This sequence change replaces asparagine, which is neutral and polar, with serine, which is neutral and polar, at codon 402 of the DCHS1 protein (p.Asn402Ser). This variant is present in population databases (rs200280593, gnomAD 0.01%). This variant has not been reported in the literature in individuals affected with DCHS1-related conditions. ClinVar contains an entry for this variant (Variation ID: 2998977). Invitae Evidence Modeling of protein sequence and biophysical properties (such as structural, functional, and spatial information, amino acid conservation, physicochemical variation, residue mobility, and thermodynamic stability) indicates that this missense variant is not expected to disrupt DCHS1 protein function with a negative predictive value of 80%. In summary, the available evidence is currently insufficient to determine the role of this variant in disease. Therefore, it has been classified as a Variant of Uncertain Significance.

Ambry Genetics
Classification: Uncertain significance for Inborn genetic diseases. Last evaluated: 2023-10-05. Review status: criteria provided, single submitter. Criteria: Ambry Variant Classification Scheme 2023. Collection method: clinical testing. Allele origin: germline.

ARUP Laboratories, Molecular Genetics and Genomics, ARUP Laboratories
Classification: Uncertain significance. Review status: criteria provided, single submitter. Criteria: ARUP Molecular Germline Variant Investigation Process 2024. Collection method: clinical testing. Allele origin: germline.